The following is an entry in ClinVar:

NM_018192.4(P3H2):c.1777T>C (p.Cys593Arg)

Gene: P3H2 (prolyl 3-hydroxylase 2; minus strand). Cytogenetic location: 3q28.
Variant type: single nucleotide variant.
Coding change: c.1777T>C on transcript NM_018192.4 (MANE Select); coding-DNA position 1777, T replaced by C.
Protein change: p.Cys593Arg; replaces cysteine 593 with arginine.
Molecular consequence: missense variant.
Genome position (GRCh38, 1-based): chr3:189,971,930, A>G on the plus strand (T>C on the coding strand, the complement: P3H2 is on the minus strand). VCF-style: chr3-189971930-A-G. GRCh37 (hg19) VCF-style: chr3-189689719-A-G.
Other names: c.1234T>C, p.Cys412Arg (NM_001134418.2); short protein forms C593R, C412R.
Identifiers: ClinVar variation 1378774 (VCV001378774.8), dbSNP rs2108908337, ClinGen allele CA355752808.

ClinVar aggregate classification (germline): Uncertain significance (1 of 4 stars; one submission).

Submission:

Labcorp Genetics (formerly Invitae), Labcorp
Classification: Uncertain significance. Last evaluated: 2021-03-13. Review status: criteria provided, single submitter. Criteria: Invitae Variant Classification Sherloc (09022015). Collection method: clinical testing. Allele origin: germline.
Comment: This sequence change replaces cysteine with arginine at codon 593 of the P3H2 protein (p.Cys593Arg). The cysteine residue is highly conserved and there is a large physicochemical difference between cysteine and arginine. This variant is not present in population databases (ExAC no frequency). This variant has not been reported in the literature in individuals with P3H2-related conditions. Algorithms developed to predict the effect of missense changes on protein structure and function (SIFT, PolyPhen-2, Align-GVGD) all suggest that this variant is likely to be disruptive, but these predictions have not been confirmed by published functional studies and their clinical significance is uncertain. In summary, the available evidence is currently insufficient to determine the role of this variant in disease. Therefore, it has been classified as a Variant of Uncertain Significance.